The following is an entry in ClinVar:

ClinVar aggregate classification (germline): Pathogenic. Review status: criteria provided, multiple submitters, no conflicts (2 of 4 stars). 2 submissions from 2 submitters: Pathogenic (2). Last evaluated 2021-09-10.

Conditions:
Neurofibromatosis, type 1 (NF1). Also called: Peripheral type neurofibromatosis; VON RECKLINGHAUSEN DISEASE; Neurofibromatosis, type I; NEUROFIBROMATOSIS, TYPE I, SOMATIC. Identifiers: Orphanet 636, MedGen C0027831, MONDO:0018975, OMIM 162200. Disease mechanism: loss of function.

Allele frequency attached by ClinVar (database versions not stated): gnomAD exomes below 0.00001.

Submissions (2):

MGZ Medical Genetics Center
Classification: Pathogenic for Neurofibromatosis, type 1. Last evaluated: 2021-09-10. Review status: criteria provided, single submitter. Criteria: ACMG Guidelines, 2015. Collection method: clinical testing. Allele origin: germline. Affected: yes. Observed: 1 variant allele.
Comment: ACMG criteria applied: PVS1, PM2_SUP, PP4

Labcorp Genetics (formerly Invitae), Labcorp
Classification: Pathogenic for Neurofibromatosis, type 1. Last evaluated: 2019-08-21. Review status: criteria provided, single submitter. Criteria: Invitae Variant Classification Sherloc (09022015). Collection method: clinical testing. Allele origin: germline.
Comment: For these reasons, this variant has been classified as Pathogenic. Loss-of-function variants in NF1 are known to be pathogenic (PMID: 10712197, 23913538). This variant has not been reported in the literature in individuals with NF1-related conditions. This variant is not present in population databases (ExAC no frequency). This sequence change creates a premature translational stop signal (p.Asp2406Glufs*5) in the NF1 gene. It is expected to result in an absent or disrupted protein product.

Literature cited by the submitters: PubMed 10712197 (cited by Labcorp Genetics (formerly Invitae), Labcorp); PubMed 23913538 (cited by Labcorp Genetics (formerly Invitae), Labcorp).

NM_001042492.3(NF1):c.7281del (p.Asp2427fs)

Gene: NF1 (neurofibromin 1; plus strand). Cytogenetic location: 17q11.2.
Variant type: Deletion.
Coding change: c.7281del on transcript NM_001042492.3 (MANE Select); coding-DNA position 7281, one base deleted (C; older notation c.7281delC).
Protein change: p.Asp2427fs; shifts the reading frame from aspartic acid 2427.
Molecular consequence: frameshift variant.
Genome position (GRCh38, 1-based): chr17:31,349,211, C deleted. VCF-style (leftmost placement, unchanged base first): chr17-31349210-AC-A. GRCh37 (hg19) VCF-style: chr17-29676228-AC-A.
Other names: c.7218delC, p.Asp2406Glufs (NM_000267.4); short protein forms D2427fs, D2406fs.
Identifiers: ClinVar variation 936484 (VCV000936484.8), dbSNP rs2070077277, ClinGen allele CA1139665471.
Genomic context (GRCh38, chr17:31,349,210, plus strand): 5'-CAAGAACAGTCAGAATTTTACATACACTACTAACTCTGGTTAACAAACACAGAAATTGTG[AC>A]AAATTTGAAGTGAATACACAGAGCGTGGCCTACTTAGCAGGTAAAAACACAAAATAAACA-3'